The following is an entry in ClinVar:

ClinVar aggregate classification (germline): Pathogenic/Likely pathogenic. Review status: criteria provided, multiple submitters, no conflicts (2 of 4 stars). 13 submissions from 13 submitters: Pathogenic (12); Likely pathogenic (1). Last evaluated 2025-11-06.

Conditions:
CEP290-related disorder. Also called: CEP290-related condition; CEP290-related disorders. Identifiers: MedGen CN239314.
Nephronophthisis. Also called: Juvenile Nephronophthisis. Identifiers: Orphanet 655, MedGen C0687120, MONDO:0019005, HP:0000090.
Joubert syndrome. Also called: Familial aplasia of the vermis; JOUBERT-BOLTSHAUSER SYNDROME. Identifiers: Orphanet 475, MedGen C5979921, MONDO:0018772.
Meckel-Gruber syndrome. Also called: DYSENCEPHALIA SPLANCHNOCYSTICA; GRUBER SYNDROME; Dysencephalia splachnocystica. Identifiers: Orphanet 564, MedGen C0265215, MONDO:0018921.
Leber congenital amaurosis 10 (LCA10). Identifiers: Orphanet 65, MedGen C1857821, MONDO:0012723, OMIM 611755.
Senior-Loken syndrome 6 (SLSN6). Identifiers: Orphanet 3156, MedGen C1857779, MONDO:0012433, OMIM 610189.
Joubert syndrome 5 (JBTS5). Identifiers: Orphanet 2318, MedGen C1857780, MONDO:0012432, OMIM 610188.
Bardet-Biedl syndrome 14 (BBS14). Identifiers: Orphanet 110, MedGen C2673874, MONDO:0014442, OMIM 615991.
Meckel syndrome, type 4 (MKS4). Also called: MECKEL-GRUBER SYNDROME, TYPE 4. Identifiers: Orphanet 564, MedGen C1970161, MONDO:0012626, OMIM 611134.
Leber congenital amaurosis (LCA). Also called: Leber's amaurosis. Identifiers: Orphanet 65, MedGen C0339527, MeSH D057130, MONDO:0018998.

Allele frequency attached by ClinVar (database versions not stated): gnomAD 0.00002; TOPMed 0.00002; gnomAD exomes 0.00003 and 0.00005; ExAC 0.00010.

Submissions (13):

Natera, Inc.
Classification: Pathogenic for Leber congenital amaurosis. Last evaluated: 2025-11-06. Review status: criteria provided, single submitter. Criteria: Natera Variant Classification Schema (03/2026). Collection method: clinical testing. Allele origin: germline.
Comment: The c.6277delG variant in CEP290 is a frameshift variant predicted to shift the reading frame beginning at codon 2093 and leads to a stop codon 4 codons downstream. This variant is expected to result in nonsense mediated decay, truncation, or a dysfunctional protein product. This variant is rare in the general population with a frequency below the threshold expected for the associated phenotype(s). This variant has been observed in one or more individuals affected with the associated recessive disease, as either homozygous or compound heterozygous with a second variant (PMID: 30559420, 23188109). Given the available evidence, this variant is classified as Pathogenic.

PreventionGenetics, part of Exact Sciences
Classification: Pathogenic for CEP290-related condition. Last evaluated: 2025-07-21. Review status: criteria provided, single submitter. Criteria: ACMG Guidelines, 2015. Collection method: clinical testing. Allele origin: germline.
Comment: The CEP290 c.6277delG variant is predicted to result in a frameshift and premature protein termination (p.Val2093Serfs*4). This variant has been reported to be causative for Joubert syndrome (Table S5 in Bachmann-Gagescu. 2015. PubMed ID: 26092869). This variant is reported in 0.011% of alleles in individuals of European (Non-Finnish) descent in gnomAD. Frameshift variants in CEP290 are expected to be pathogenic. This variant is interpreted as pathogenic.

Labcorp Genetics (formerly Invitae), Labcorp
Classification: Pathogenic for Joubert syndrome; Meckel-Gruber syndrome; Nephronophthisis. Last evaluated: 2025-04-23. Review status: criteria provided, single submitter. Criteria: Invitae Variant Classification Sherloc (09022015). Collection method: clinical testing. Allele origin: germline.
Comment: This sequence change creates a premature translational stop signal (p.Val2093Serfs*4) in the CEP290 gene. It is expected to result in an absent or disrupted protein product. Loss-of-function variants in CEP290 are known to be pathogenic (PMID: 16909394, 17345604, 20690115). This variant is present in population databases (rs771454167, gnomAD 0.01%). This premature translational stop signal has been observed in individuals with clinical features of CEP290-related conditions (PMID: 17564967, 21866095, 26092869). ClinVar contains an entry for this variant (Variation ID: 217621). For these reasons, this variant has been classified as Pathogenic.

Blueprint Genetics
Classification: Pathogenic for CEP290-related disorders. Last evaluated: 2024-06-13. Review status: criteria provided, single submitter. Criteria: ACMG Guidelines, 2015. Collection method: clinical testing. Allele origin: germline. Affected: yes. Observed: 5 variant alleles.

GeneDx
Classification: Pathogenic. Last evaluated: 2023-12-26. Review status: criteria provided, single submitter. Criteria: GeneDx Variant Classification Process June 2021. Collection method: clinical testing. Allele origin: germline. Affected: yes.
Comment: Not observed at significant frequency in large population cohorts (gnomAD); Frameshift variant predicted to result in protein truncation or nonsense mediated decay in a gene for which loss of function is a known mechanism of disease; This variant is associated with the following publications: (PMID: 17564967, 34426522, 26092869, 36369640, 34906470, 32359821, 31964843, 29398085, 21866095)

Baylor Genetics
Classification: Pathogenic for Bardet-Biedl syndrome 14. Last evaluated: 2023-11-29. Review status: criteria provided, single submitter. Criteria: ACMG Guidelines, 2015. Collection method: clinical testing. Allele origin: unknown.

Fulgent Genetics
Classification: Pathogenic for Joubert syndrome 5; Senior-Loken syndrome 6; Meckel syndrome, type 4; Leber congenital amaurosis 10; Bardet-Biedl syndrome 14. Last evaluated: 2022-03-03. Review status: criteria provided, single submitter. Criteria: ACMG Guidelines, 2015. Collection method: clinical testing. Allele origin: unknown.

Ocular Genomics Institute, Massachusetts Eye and Ear
Classification: Likely pathogenic for Leber congenital amaurosis 10. Last evaluated: 2021-04-08. Review status: criteria provided, single submitter. Criteria: ACMG Guidelines, 2015. Collection method: research. Allele origin: germline. Affected: yes.
Comment: Through a review of available evidence we were able to apply the following criteria: PVS1, PM2. Based on this evidence we have classified this variant as Likely Pathogenic.

Institute of Human Genetics, University of Leipzig Medical Center
Classification: Pathogenic for Joubert syndrome 5. Last evaluated: 2020-04-14. Review status: criteria provided, single submitter. Criteria: ACMG Guidelines, 2015. Collection method: clinical testing. Allele origin: paternal. Inheritance: Autosomal recessive inheritance. Affected: yes.

Institute of Human Genetics Munich, TUM University Hospital
Classification: Pathogenic for Joubert syndrome 5. Last evaluated: 2020-01-16. Review status: criteria provided, single submitter. Criteria: Classification criteria August 2017. Collection method: clinical testing. Allele origin: germline. Inheritance: Autosomal recessive inheritance. Affected: yes. Observed: 1 compound heterozygote.

Centre for Genomic Medicine, Manchester, Central Manchester University Hospitals
Classification: Pathogenic for Senior-Loken syndrome 6. Last evaluated: 2019-02-01. Review status: criteria provided, single submitter. Criteria: ACMG Guidelines, 2015. Collection method: clinical testing. Allele origin: germline. Affected: yes. Observed: 1 variant allele, 1 compound heterozygote.

Genetic Services Laboratory, University of Chicago
Classification: Pathogenic for ?Bardet-Biedl syndrome 14. Last evaluated: 2015-08-07. Review status: criteria provided, single submitter. Criteria: ACMG Guidelines, 2015. Collection method: clinical testing. Allele origin: germline. Affected: yes.

UW Hindbrain Malformation Research Program, University of Washington
Classification: Pathogenic for Joubert syndrome 5. Last evaluated: 2015-02-23. Review status: criteria provided, single submitter. Criteria: Bachmann-Gagescu et al. (J Med Genet. 2015). Collection method: research. Allele origin: unknown. Affected: yes.

Literature cited by the submitters: PubMed 30559420 (cited by Natera, Inc.); PubMed 23188109 (cited by Natera, Inc.); PubMed 16909394 (cited by Labcorp Genetics (formerly Invitae), Labcorp); PubMed 17345604 (cited by Labcorp Genetics (formerly Invitae), Labcorp); PubMed 20690115 (cited by Labcorp Genetics (formerly Invitae), Labcorp); PubMed 17564967 (cited by Labcorp Genetics (formerly Invitae), Labcorp and Ocular Genomics Institute, Massachusetts Eye and Ear); PubMed 21866095 (cited by Labcorp Genetics (formerly Invitae), Labcorp and Ocular Genomics Institute, Massachusetts Eye and Ear); PubMed 26092869 (cited by Labcorp Genetics (formerly Invitae), Labcorp and Ocular Genomics Institute, Massachusetts Eye and Ear).

NM_025114.4(CEP290):c.6277del (p.Val2093fs)

Genes: CEP290 (centrosomal protein 290; minus strand), LOC129390514 (MPRA-validated peak1864 silencer; plus strand). Cytogenetic location: 12q21.32.
Variant type: Deletion.
Coding change: c.6277del on transcript NM_025114.4 (MANE Select); coding-DNA position 6277, one base deleted (G; older notation c.6277delG).
Protein change: p.Val2093fs; shifts the reading frame from valine 2093.
Molecular consequence: frameshift variant.
Genome position (GRCh38, 1-based): chr12:88,062,772, C deleted on the plus strand (G on the coding strand, the reverse complement: CEP290 is on the minus strand). VCF-style (leftmost placement, unchanged base first): chr12-88062771-AC-A. GRCh37 (hg19) VCF-style: chr12-88456548-AC-A.
Other names: c.6277delG (NM_025114.3).
Identifiers: ClinVar variation 217621 (VCV000217621.31), dbSNP rs771454167, ClinGen allele CA277765.